The following is an entry in ClinVar:

NM_000488.4(SERPINC1):c.409-1G>C

Gene: SERPINC1 (serpin family C member 1; minus strand). Cytogenetic location: 1q25.1.
Variant type: single nucleotide variant.
Coding change: c.409-1G>C on transcript NM_000488.4 (MANE Select); the canonical splice acceptor site of the intron before coding-DNA position 409, G replaced by C.
Molecular consequence: splice acceptor variant. On other transcripts: intron variant (1).
Genome position (GRCh38, 1-based): chr1:173,912,015, C>G on the plus strand (G>C on the coding strand, the complement: SERPINC1 is on the minus strand). VCF-style: chr1-173912015-C-G. GRCh37 (hg19) VCF-style: chr1-173881153-C-G.
Other names: c.490-1G>C (NM_001386303.1); c.409-1124G>C (NM_001386306.1); c.409-1G>C (NM_001386304.1, NM_001386305.1, NM_001386302.1); c.265-1G>C (NM_001365052.2).
Identifiers: ClinVar variation 2734045 (VCV002734045.3), dbSNP rs2526582621, ClinGen allele CA343776887.

ClinVar aggregate classification (germline): Pathogenic (1 of 4 stars; one submission).

Conditions:
Hereditary antithrombin deficiency (AT3D). Also called: Reduced antithrombin III activity; Antithrombin deficiency; Antithrombin III deficiency; Thrombophilia due to antithrombin III deficiency. Identifiers: Orphanet 82, MedGen C0272375, MONDO:0013144, OMIM 613118, HP:0001976.

Submission:

Labcorp Genetics (formerly Invitae), Labcorp
Classification: Pathogenic for Hereditary antithrombin deficiency. Last evaluated: 2024-02-17. Review status: criteria provided, single submitter. Criteria: Invitae Variant Classification Sherloc (09022015). Collection method: clinical testing. Allele origin: germline.
Comment: This sequence change affects an acceptor splice site in intron 2 of the SERPINC1 gene. It is expected to disrupt RNA splicing. Variants that disrupt the donor or acceptor splice site typically lead to a loss of protein function (PMID: 16199547), and loss-of-function variants in SERPINC1 are known to be pathogenic (PMID: 21264449). This variant is not present in population databases (gnomAD no frequency). Disruption of this splice site has been observed in individual(s) with autosomal dominant antithrombin III deficiency (PMID: 9031473, 15164384). This variant is also known as 2777 G to C, last nt intron 2. Algorithms developed to predict the effect of sequence changes on RNA splicing suggest that this variant may disrupt the consensus splice site. For these reasons, this variant has been classified as Pathogenic.

Literature cited by the submitters: PubMed 16199547; PubMed 21264449; PubMed 9031473; PubMed 15164384.